The following is an entry in ClinVar:

NM_032638.5(GATA2):c.564G>C (p.Thr188=)

Gene: GATA2 (GATA binding protein 2; minus strand). Cytogenetic location: 3q21.3.
Variant type: single nucleotide variant.
Coding change: c.564G>C on transcript NM_032638.5 (MANE Select); coding-DNA position 564, G replaced by C.
Protein change: p.Thr188=; no amino-acid change (threonine 188 retained).
Molecular consequence: synonymous variant.
Genome position (GRCh38, 1-based): chr3:128,486,034, C>G on the plus strand (G>C on the coding strand, the complement: GATA2 is on the minus strand). VCF-style: chr3-128486034-C-G. GRCh37 (hg19) VCF-style: chr3-128204877-C-G.
Other names: p.Thr188=; c.564G>C, p.Thr188= (NM_001145661.2, NM_001145662.1).
Identifiers: ClinVar variation 257566 (VCV000257566.38), dbSNP rs34870876, ClinGen allele CA2600002.

ClinVar aggregate classification (germline): Benign/Likely benign. Review status: criteria provided, multiple submitters, no conflicts (2 of 4 stars). 14 submissions from 14 submitters: Benign (9); Likely benign (1). 4 of the submissions do not count toward it. Last evaluated 2026-02-04.

Conditions:
Inborn genetic diseases. Identifiers: MedGen C0950123, MeSH D030342.
Deafness-lymphedema-leukemia syndrome. Also called: Lymphedema, primary, with myelodysplasia; Emberger syndrome. Identifiers: Orphanet 3226, MedGen C3279664, MONDO:0013540, OMIM 614038.
Monocytopenia with susceptibility to infections. Also called: IMMUNODEFICIENCY 21; MONOCYTOPENIA AND MYCOBACTERIAL INFECTION SYNDROME; MONOCYTOPENIA WITH SUSCEPTIBILITY TO MYCOBACTERIAL, FUNGAL, AND PAPILLOMAVIRUS INFECTIONS AND MYELODYSPLASIA; COMBINED IMMUNODEFICIENCY WITH SUSCEPTIBILITY TO MYCOBACTERIAL, VIRAL, AND FUNGAL INFECTIONS; Dendritic cell, monocyte, B lymphocyte, and natural killer lymphocyte deficiency; GATA2 DEFICIENCY. Identifiers: Orphanet 228423, MedGen C3280030, MONDO:0013607, OMIM 614172.

Allele frequency attached by ClinVar (database versions not stated): 1000 Genomes Project 0.01857; 1000 Genomes Project 30x 0.01905; TOPMed 0.03390; ESP Exome Variant Server 0.04014; gnomAD 0.04681.
gnomAD v4.1: 84,657 of 1,605,602 alleles (5.3%); highest among the groups gnomAD compares: Non-Finnish European, 6.1%; 2,720 homozygotes.

Submissions (14):

Labcorp Genetics (formerly Invitae), Labcorp
Classification: Benign for Monocytopenia with susceptibility to infections; Deafness-lymphedema-leukemia syndrome. Last evaluated: 2026-02-04. Review status: criteria provided, single submitter. Criteria: Invitae Variant Classification Sherloc (09022015). Collection method: clinical testing. Allele origin: germline.

ARUP Laboratories, Molecular Genetics and Genomics, ARUP Laboratories
Classification: Benign. Last evaluated: 2025-07-21. Review status: criteria provided, single submitter. Criteria: ARUP Molecular Germline Variant Investigation Process 2024. Collection method: clinical testing. Allele origin: germline.

Blueprint Genetics
Classification: Likely benign. Last evaluated: 2024-11-26. Review status: criteria provided, single submitter. Criteria: ACMG Guidelines, 2015. Collection method: clinical testing. Allele origin: germline.

Ambry Genetics
Classification: Benign for Inborn genetic diseases. Last evaluated: 2024-11-21. Review status: criteria provided, single submitter. Criteria: Ambry Variant Classification Scheme 2023. Collection method: clinical testing. Allele origin: germline.

Mayo Clinic Laboratories, Mayo Clinic
Classification: Benign. Last evaluated: 2022-09-29. Review status: criteria provided, single submitter. Criteria: ACMG Guidelines, 2015. Collection method: clinical testing. Allele origin: germline. Observed: 195 variant alleles.

GeneDx
Classification: Benign. Last evaluated: 2019-01-10. Review status: criteria provided, single submitter. Criteria: GeneDx Variant Classification Process June 2021. Collection method: clinical testing. Allele origin: germline. Affected: yes.

Illumina Laboratory Services, Illumina
Classification: Benign for Deafness-lymphedema-leukemia syndrome. Last evaluated: 2018-01-12. Review status: criteria provided, single submitter. Criteria: ICSL Variant Classification Criteria 13 December 2019. Collection method: clinical testing. Allele origin: germline.
Comment: This variant was observed in the ICSL laboratory as part of a predisposition screen in an ostensibly healthy population. It had not been previously curated by ICSL or reported in the Human Gene Mutation Database (HGMD: prior to June 1st, 2018), and was therefore a candidate for classification through an automated scoring system. Utilizing variant allele frequency, disease prevalence and penetrance estimates, and inheritance mode, an automated score was calculated to assess if this variant is too frequent to cause the disease. Based on the score and internal cut-off values, a variant classified as benign is not then subjected to further curation. The score for this variant resulted in a classification of benign for this disease.

PreventionGenetics, part of Exact Sciences
Classification: Benign. Last evaluated: 2017-11-13. Review status: criteria provided, single submitter. Criteria: ACMG Guidelines, 2015. Collection method: clinical testing. Allele origin: germline.

Eurofins Ntd Llc (ga)
Classification: Benign. Last evaluated: 2016-10-31. Review status: criteria provided, single submitter. Criteria: EGL Classification Definitions 2015. Collection method: clinical testing. Allele origin: germline. Observed: 1 variant allele, 1 heterozygote.

Breakthrough Genomics
Classification: Benign. Review status: criteria provided, single submitter. Criteria: ACMG Guidelines, 2015. Collection method: not provided. Allele origin: germline. Inheritance: Autosomal dominant inheritance. Affected: yes.

Clinical Genetics, Academic Medical Center
Classification: Benign. Review status: no assertion criteria provided. Collection method: clinical testing. Allele origin: germline. Affected: yes. Study: VKGL Data-share Consensus. Not counted in ClinVar's aggregate classification.

Genome Diagnostics Laboratory, University Medical Center Utrecht
Classification: Benign. Review status: no assertion criteria provided. Collection method: clinical testing. Allele origin: germline. Affected: yes. Study: VKGL Data-share Consensus. Not counted in ClinVar's aggregate classification.

Joint Genome Diagnostic Labs from Nijmegen and Maastricht, Radboudumc and MUMC+
Classification: Benign. Review status: no assertion criteria provided. Collection method: clinical testing. Allele origin: germline. Affected: yes. Study: VKGL Data-share Consensus. Not counted in ClinVar's aggregate classification.

Laboratory of Diagnostic Genome Analysis, Leiden University Medical Center (LUMC)
Classification: Likely benign. Review status: no assertion criteria provided. Collection method: clinical testing. Allele origin: germline. Affected: yes. Study: VKGL Data-share Consensus. Not counted in ClinVar's aggregate classification.